The following is an entry in ClinVar:

NM_001363711.2(DUOX2):c.467G>T (p.Arg156Leu)

Gene: DUOX2 (dual oxidase 2; minus strand). Cytogenetic location: 15q21.1.
Variant type: single nucleotide variant.
Coding change: c.467G>T on transcript NM_001363711.2 (MANE Select); coding-DNA position 467, G replaced by T.
Protein change: p.Arg156Leu; replaces arginine 156 with leucine.
Molecular consequence: missense variant.
Genome position (GRCh38, 1-based): chr15:45,111,814, C>A on the plus strand (G>T on the coding strand, the complement: DUOX2 is on the minus strand). VCF-style: chr15-45111814-C-A. GRCh37 (hg19) VCF-style: chr15-45404012-C-A.
Other names: c.467G>T, p.Arg156Leu (NM_014080.5); short protein forms R156L.
Identifiers: ClinVar variation 2892804 (VCV002892804.3), dbSNP rs1161520838, ClinGen allele CA392279249.

ClinVar aggregate classification (germline): Uncertain significance (1 of 4 stars; one submission).

gnomAD v4.1: 2 of 1,612,496 alleles (0.00012%); highest among the groups gnomAD compares: East Asian, 0.0022%; no homozygotes.

Submission:

Labcorp Genetics (formerly Invitae), Labcorp
Classification: Uncertain significance. Last evaluated: 2025-06-09. Review status: criteria provided, single submitter. Criteria: Invitae Variant Classification Sherloc (09022015). Collection method: clinical testing. Allele origin: germline.
Comment: This sequence change replaces arginine, which is basic and polar, with leucine, which is neutral and non-polar, at codon 156 of the DUOX2 protein (p.Arg156Leu). The frequency data for this variant in the population databases is considered unreliable, as metrics indicate poor data quality at this position in the gnomAD database. This variant has not been reported in the literature in individuals affected with DUOX2-related conditions. ClinVar contains an entry for this variant (Variation ID: 2892804). Invitae Evidence Modeling of protein sequence and biophysical properties (such as structural, functional, and spatial information, amino acid conservation, physicochemical variation, residue mobility, and thermodynamic stability) indicates that this missense variant is not expected to disrupt DUOX2 protein function with a negative predictive value of 80%. In summary, the available evidence is currently insufficient to determine the role of this variant in disease. Therefore, it has been classified as a Variant of Uncertain Significance.